The following is an entry in ClinVar:

NM_019066.5(MAGEL2):c.337_396del (p.Pro113_Pro132del)

Gene: MAGEL2 (MAGE family member L2; minus strand). Cytogenetic location: 15q11.2.
Variant type: Deletion.
Coding change: c.337_396del on transcript NM_019066.5 (MANE Select); coding-DNA positions 337 to 396, 60 bases deleted.
Protein change: p.Pro113_Pro132del.
Genome position (GRCh38, 1-based): chr15:23,647,347-23,647,406, 60 bases deleted. GRCh37 (hg19): chr15:23,892,512-23,892,571.
Identifiers: ClinVar variation 3765848 (VCV003765848.1).

ClinVar aggregate classification (germline): Uncertain significance (1 of 4 stars; one submission).

Submission:

Greenwood Genetic Center Diagnostic Laboratories, Greenwood Genetic Center
Classification: Uncertain significance. Last evaluated: 2024-12-30. Review status: criteria provided, single submitter. Criteria: ACMG Guidelines, 2015. Collection method: clinical testing. Allele origin: germline. Affected: yes.
Comment: PM2, PM4, BP1